The following is an entry in ClinVar:

ClinVar aggregate classification (germline): Uncertain significance (1 of 4 stars; one submission).

Conditions:
Metaphyseal chondrodysplasia, Schmid type (MCDS). Also called: SPONDYLOMETAPHYSEAL DYSPLASIA, JAPANESE TYPE. Identifiers: Orphanet 174, MedGen C0265289, MONDO:0007983, OMIM 156500.

Submission:

3billion
Classification: Uncertain significance for Metaphyseal chondrodysplasia, Schmid type. Last evaluated: 2024-02-24. Review status: criteria provided, single submitter. Criteria: ACMG Guidelines, 2015. Collection method: clinical testing. Allele origin: germline. Affected: yes.
Comment: The variant is not observed in the gnomAD v2.1.1 dataset. Predicted Consequence/Location: Missense variant In silico tool predictions suggest damaging effect of the variant on gene or gene product [REVEL: 0.71 (>=0.6, sensitivity 0.68 and specificity 0.92); 3Cnet: 0.73 (>=0.6, sensitivity 0.72 and precision 0.9)]. Therefore, this variant is classified as VUS according to the recommendation of ACMG/AMP guideline.

NM_000493.4(COL10A1):c.1805A>C (p.His602Pro)

Genes: COL10A1 (collagen type X alpha 1 chain; minus strand), NT5DC1 (5'-nucleotidase domain containing 1; plus strand). Cytogenetic location: 6q22.1.
Variant type: single nucleotide variant.
Coding change: c.1805A>C on transcript NM_000493.4 (MANE Select); coding-DNA position 1805, A replaced by C.
Protein change: p.His602Pro; replaces histidine 602 with proline.
Molecular consequence: missense variant. On other transcripts: intron variant (1).
Genome position (GRCh38, 1-based): chr6:116,120,311, T>G on the plus strand (A>C on the coding strand, the complement: COL10A1 is on the minus strand). VCF-style: chr6-116120311-T-G. GRCh37 (hg19) VCF-style: chr6-116441474-T-G.
Other names: c.1805A>C, p.His602Pro (NM_001424106.1, NM_001424107.1); c.529+2366T>G (NM_152729.3); short protein forms H602P.
Identifiers: ClinVar variation 3775918 (VCV003775918.1).